The following is an entry in ClinVar:

NM_004863.4(SPTLC2):c.1177-317G>A

Gene: SPTLC2 (serine palmitoyltransferase long chain base subunit 2; minus strand). Cytogenetic location: 14q24.3.
Variant type: single nucleotide variant.
Coding change: c.1177-317G>A on transcript NM_004863.4 (MANE Select); 317 bases into the intron before coding-DNA position 1177, G replaced by A.
Molecular consequence: intron variant.
Genome position (GRCh38, 1-based): chr14:77,552,539, C>T on the plus strand (G>A on the coding strand, the complement: SPTLC2 is on the minus strand). VCF-style: chr14-77552539-C-T. GRCh37 (hg19) VCF-style: chr14-78018882-C-T.
Identifiers: ClinVar variation 673721 (VCV000673721.1), dbSNP rs113608775, ClinGen allele CA263845180.
Genomic context (GRCh38, chr14:77,552,539, plus strand): 5'-AACCCCTCTAAATTTGGAGAATGTATCATTTAAAGTTAGAAATATGGCCGTGCATGGTGG[C>T]TCATGCCTGTAATCCCAGCAGTTTGGGAGGCCAAGGTGGGTGGATCTACTGAGGTCAGGA-3'

ClinVar aggregate classification (germline): Benign (1 of 4 stars; one submission).

Allele frequency attached by ClinVar (database versions not stated): 1000 Genomes Project 0.02416; 1000 Genomes Project 30x 0.02452; gnomAD 0.02860 and 0.03077; TOPMed 0.03257.
gnomAD v4.1: 4,317 of 152,186 alleles (2.8%); highest among the groups gnomAD compares: African/African-American, 9.9%; 220 homozygotes.

Submission:

GeneDx
Classification: Benign. Last evaluated: 2018-06-16. Review status: criteria provided, single submitter. Criteria: GeneDx Variant Classification (06012015). Collection method: clinical testing. Allele origin: germline. Affected: yes.
Comment: This variant is considered likely benign or benign based on one or more of the following criteria: it is a conservative change, it occurs at a poorly conserved position in the protein, it is predicted to be benign by multiple in silico algorithms, and/or has population frequency not consistent with disease.